The following is an entry in ClinVar:

ClinVar aggregate classification (germline): Uncertain significance (1 of 4 stars; one submission).

gnomAD v4.1: 1 of 1,614,140 alleles (0.000062%); highest among the groups gnomAD compares: Non-Finnish European, 0.000085%; no homozygotes.

Submission:

Ambry Genetics
Classification: Uncertain significance. Last evaluated: 2024-03-24. Review status: criteria provided, single submitter. Criteria: Ambry Variant Classification Scheme 2023. Collection method: clinical testing. Allele origin: germline.
Comment: The p.H126D variant (also known as c.376C>G), located in coding exon 4 of the RINT1 gene, results from a C to G substitution at nucleotide position 376. The histidine at codon 126 is replaced by aspartic acid, an amino acid with similar properties. This amino acid position is conserved. In addition, this alteration is predicted to be tolerated by in silico analysis. Based on the available evidence, the clinical significance of this alteration remains unclear.

NM_021930.6(RINT1):c.376C>G (p.His126Asp)

Gene: RINT1 (RAD50 interactor 1; plus strand). Cytogenetic location: 7q22.3.
Variant type: single nucleotide variant.
Coding change: c.376C>G on transcript NM_021930.6 (MANE Select); coding-DNA position 376, C replaced by G.
Protein change: p.His126Asp; replaces histidine 126 with aspartic acid.
Molecular consequence: missense variant. On other transcripts: 5 prime UTR variant (3), non-coding transcript variant (1).
Genome position (GRCh38, 1-based): chr7:105,542,510, C>G. VCF-style: chr7-105542510-C-G. GRCh37 (hg19) VCF-style: chr7-105182957-C-G.
Other names: c.142C>G, p.His48Asp (NM_001346599.2); c.-644C>G (NM_001346600.2); c.-547C>G (NM_001346601.2); c.-167C>G (NM_001346603.2); short protein forms H48D, H126D.
Identifiers: ClinVar variation 3314437 (VCV003314437.1).